The following is an entry in ClinVar:

NM_000153.4(GALC):c.1072C>T (p.Leu358=)

Gene: GALC (galactosylceramidase; minus strand). Cytogenetic location: 14q31.3.
Variant type: single nucleotide variant.
Coding change: c.1072C>T on transcript NM_000153.4 (MANE Select); coding-DNA position 1072, C replaced by T.
Protein change: p.Leu358=; no amino-acid change (leucine 358 retained).
Molecular consequence: synonymous variant.
Genome position (GRCh38, 1-based): chr14:87,963,473, G>A on the plus strand (C>T on the coding strand, the complement: GALC is on the minus strand). VCF-style: chr14-87963473-G-A. GRCh37 (hg19) VCF-style: chr14-88429817-G-A.
Other names: c.1003C>T, p.Leu335= (NM_001201401.2); c.994C>T, p.Leu332= (NM_001201402.2).
Identifiers: ClinVar variation 314751 (VCV000314751.21), dbSNP rs74073730, ClinGen allele CA7297156.
Genomic context (GRCh38, chr14:87,963,473, plus strand): 5'-CTAAGCCATCAGTCAGAGCTACGTAGCTTCCTCCTTTCTCTAAATGGCCAACTGTCTTCA[G>A]GTAATACCAGCCAGGTTGAGTAAACTGAGTGGTATGAGCTATAGAAAAACAGAAAGTTCC-3'
Protein context (NP_000144.2, residues 348-368): TQFTQPGWYY[Leu358=]KTVGHLEKGG

ClinVar aggregate classification (germline): Benign. Review status: criteria provided, multiple submitters, no conflicts (2 of 4 stars). 7 submissions from 7 submitters: Benign (5). 2 of the submissions do not count toward it. Last evaluated 2026-01-31.

Conditions:
Galactosylceramide beta-galactosidase deficiency. Also called: GALACTOCEREBROSIDASE DEFICIENCY; GALC DEFICIENCY; GLOBOID CELL LEUKOENCEPHALOPATHY; Leukodystrophy, Globoid Cell; Krabbe Disease. Identifiers: Orphanet 487, MedGen C0023521, MONDO:0009499, OMIM 245200.

Allele frequency attached by ClinVar (database versions not stated): ExAC 0.00473; ESP Exome Variant Server 0.01578; gnomAD 0.01674 and 0.01792; 1000 Genomes Project 0.01817; 1000 Genomes Project 30x 0.01858; TOPMed 0.01860.
gnomAD v4.1: 4,827 of 1,612,984 alleles (0.3%); highest among the groups gnomAD compares: African/African-American, 5.7%; 133 homozygotes.

Submissions (7):

Labcorp Genetics (formerly Invitae), Labcorp
Classification: Benign for Galactosylceramide beta-galactosidase deficiency. Last evaluated: 2026-01-31. Review status: criteria provided, single submitter. Criteria: Invitae Variant Classification Sherloc (09022015). Collection method: clinical testing. Allele origin: germline.

Women's Health and Genetics/Laboratory Corporation of America, LabCorp
Classification: Benign. Last evaluated: 2020-02-08. Review status: criteria provided, single submitter. Criteria: LabCorp Variant Classification Summary - May 2015. Collection method: clinical testing. Allele origin: germline.

Illumina Laboratory Services, Illumina
Classification: Benign for Galactosylceramide beta-galactosidase deficiency. Last evaluated: 2018-01-13. Review status: criteria provided, single submitter. Criteria: ICSL Variant Classification Criteria 13 December 2019. Collection method: clinical testing. Allele origin: germline.
Comment: This variant was observed in the ICSL laboratory as part of a predisposition screen in an ostensibly healthy population. It had not been previously curated by ICSL or reported in the Human Gene Mutation Database (HGMD: prior to June 1st, 2018), and was therefore a candidate for classification through an automated scoring system. Utilizing variant allele frequency, disease prevalence and penetrance estimates, and inheritance mode, an automated score was calculated to assess if this variant is too frequent to cause the disease. Based on the score and internal cut-off values, a variant classified as benign is not then subjected to further curation. The score for this variant resulted in a classification of benign for this disease.

GeneDx
Classification: Benign. Last evaluated: 2016-08-02. Review status: criteria provided, single submitter. Criteria: GeneDx Variant Classification (06012015). Collection method: clinical testing. Allele origin: germline. Affected: yes.
Comment: This variant is considered likely benign or benign based on one or more of the following criteria: it is a conservative change, it occurs at a poorly conserved position in the protein, it is predicted to be benign by multiple in silico algorithms, and/or has population frequency not consistent with disease.

Breakthrough Genomics
Classification: Benign. Review status: criteria provided, single submitter. Criteria: ACMG Guidelines, 2015. Collection method: not provided. Allele origin: germline. Inheritance: Autosomal recessive inheritance. Affected: yes.

Natera, Inc.
Classification: Benign for Galactosylceramide beta-galactosidase deficiency. Last evaluated: 2020-09-16. Review status: no assertion criteria provided. Collection method: clinical testing. Allele origin: germline. Not counted in ClinVar's aggregate classification.

Mayo Clinic Laboratories, Mayo Clinic
Classification: Benign. Last evaluated: 2017-08-30. Review status: no assertion criteria provided. Collection method: clinical testing. Allele origin: unknown. Not counted in ClinVar's aggregate classification.